The following is an entry in ClinVar:

ClinVar aggregate classification (germline): Pathogenic/Likely pathogenic. Review status: criteria provided, multiple submitters, no conflicts (2 of 4 stars). 4 submissions from 4 submitters: Pathogenic (2); Likely pathogenic (2). Last evaluated 2024-10-01.

Conditions:
Leber congenital amaurosis (LCA). Also called: Leber's amaurosis. Identifiers: Orphanet 65, MedGen C0339527, MeSH D057130, MONDO:0018998.
CRB1-related disorder. Also called: CRB1-related condition; CRB1-related disorders.
Retinitis pigmentosa 12 (RP12). Also called: RP WITH OR WITHOUT PPRPE; RP WITH OR WITHOUT PRESERVED PARAARTERIOLE RETINAL PIGMENT EPITHELIUM; RETINITIS PIGMENTOSA WITH OR WITHOUT PARAARTERIOLAR PRESERVATION OF RETINAL PIGMENT EPITHELIUM. Identifiers: Orphanet 791, MedGen C1838647, MONDO:0010818, OMIM 600105.
Leber congenital amaurosis 8 (LCA8). Identifiers: Orphanet 65, MedGen C3151202, MONDO:0013453, OMIM 613835.

Submissions (4):

Lab De Baere, Eye and Developmental Genetics Lab, Ghent University
Classification: Pathogenic for Leber congenital amaurosis. Last evaluated: 2024-10-01. Review status: criteria provided, single submitter. Criteria: ACMG Guidelines, 2015. Collection method: research. Allele origin: inherited. Affected: yes. Observed: 1 variant allele.
Comment: ACMG/AMP guidelines: PM2, PP4_PP, PVS1, PP1_PM, PM3_PP

Natera, Inc.
Classification: Likely pathogenic for Leber congenital amaurosis. Last evaluated: 2024-03-12. Review status: criteria provided, single submitter. Criteria: Natera Variant Classification Schema (03/2026). Collection method: clinical testing. Allele origin: germline.
Comment: The c.70delA variant in CRB1 is a frameshift variant predicted to shift the reading frame beginning at codon 24 and leads to a stop codon 47 codons downstream. This variant is expected to result in nonsense mediated decay, truncation, or a dysfunctional protein product. This variant is rare in the general population with a frequency below the threshold expected for the associated phenotype(s). Given the available evidence, this variant is classified as Likely Pathogenic.

Labcorp Genetics (formerly Invitae), Labcorp
Classification: Pathogenic for Leber congenital amaurosis 8; Retinitis pigmentosa 12. Last evaluated: 2023-12-19. Review status: criteria provided, single submitter. Criteria: Invitae Variant Classification Sherloc (09022015). Collection method: clinical testing. Allele origin: germline.
Comment: This sequence change creates a premature translational stop signal (p.Asn24Ilefs*47) in the CRB1 gene. It is expected to result in an absent or disrupted protein product. Loss-of-function variants in CRB1 are known to be pathogenic (PMID: 10508521, 22065545, 23379534, 25412400, 26957898, 28041643, 29391521). This variant is not present in population databases (gnomAD no frequency). This variant has not been reported in the literature in individuals affected with CRB1-related conditions. ClinVar contains an entry for this variant (Variation ID: 866715). For these reasons, this variant has been classified as Pathogenic.

Blueprint Genetics
Classification: Likely pathogenic for CRB1-related disorders. Last evaluated: 2017-08-23. Review status: criteria provided, single submitter. Criteria: ACMG Guidelines, 2015. Collection method: clinical testing. Allele origin: germline. Affected: yes. Observed: 1 variant allele.

Literature cited by the submitters: PubMed 10508521 (cited by Labcorp Genetics (formerly Invitae), Labcorp); PubMed 22065545 (cited by Labcorp Genetics (formerly Invitae), Labcorp); PubMed 23379534 (cited by Labcorp Genetics (formerly Invitae), Labcorp); PubMed 25412400 (cited by Labcorp Genetics (formerly Invitae), Labcorp); PubMed 26957898 (cited by Labcorp Genetics (formerly Invitae), Labcorp); PubMed 28041643 (cited by Labcorp Genetics (formerly Invitae), Labcorp); PubMed 29391521 (cited by Labcorp Genetics (formerly Invitae), Labcorp).

NM_201253.3(CRB1):c.71del (p.Asn24fs)

Gene: CRB1 (crumbs cell polarity complex component 1; plus strand). Cytogenetic location: 1q31.3.
Variant type: Deletion.
Coding change: c.71del on transcript NM_201253.3 (MANE Select); coding-DNA position 71, one base deleted (A; older notation c.71delA).
Protein change: p.Asn24fs; shifts the reading frame from asparagine 24.
Molecular consequence: frameshift variant. On other transcripts: non-coding transcript variant (2), intron variant (1).
Genome position (GRCh38, 1-based): chr1:197,268,482, A deleted; the last of 5 consecutive A bases (chr1:197,268,478-197,268,482); deleting any one gives the same sequence. VCF-style (leftmost placement, unchanged base first): chr1-197268477-TA-T. GRCh37 (hg19) VCF-style: chr1-197237607-TA-T.
Other names: c.70del (NM_201253.2); c.71del, p.Asn24fs (NM_001193640.2, NM_001257966.2); c.-212-33958del (NM_001257965.2); c.70delA (NM_201253.2); short protein forms N24fs.
Identifiers: ClinVar variation 866715 (VCV000866715.10), dbSNP rs1654722914, ClinGen allele CA916084324.